The following is an entry in ClinVar:

ClinVar aggregate classification (germline): Uncertain significance (1 of 4 stars; one submission).

Conditions:
Cardiovascular phenotype. Identifiers: MedGen CN230736.

Submission:

Ambry Genetics
Classification: Uncertain significance for Cardiovascular phenotype. Last evaluated: 2019-05-24. Review status: criteria provided, single submitter. Criteria: Ambry Variant Classification Scheme 2023. Collection method: clinical testing. Allele origin: germline.
Comment: The c.5792delG variant, located in coding exon 38 of the MYH7 gene, results from a deletion of one nucleotide at nucleotide position 5792, causing a translational frameshift with a predicted alternate stop codon (p.G1931Afs*2). Frameshifts are typically deleterious in nature, however, this frameshift occurs at the 3' terminus of MYH7, is not expected to trigger nonsense-mediated mRNA decay, and impacts only the last 5 amino acids of the protein. The exact functional impact of these altered amino acids is unknown at this time. In addition, loss of function of MYH7 has not been clearly established as a mechanism of disease. Since supporting evidence is limited at this time, the clinical significance of this alteration remains unclear.

NM_000257.4(MYH7):c.5792delG

Gene: MYH7 (myosin heavy chain 7; minus strand). Cytogenetic location: 14q11.2.
Variant type: Deletion.
Coding change: c.5792delG on transcript NM_000257.4 (MANE Select); coding-DNA position 5792, one base deleted (G).
Molecular consequence: splice acceptor variant.
Genome position (GRCh38, 1-based): chr14:23,412,870, C deleted on the plus strand (G on the coding strand, the reverse complement: MYH7 is on the minus strand); the first of 3 consecutive C bases (chr14:23,412,870-23,412,872); deleting any one gives the same sequence. VCF-style (leftmost placement, unchanged base first): chr14-23412869-GC-G. GRCh37 (hg19) VCF-style: chr14-23882078-GC-G.
Identifiers: ClinVar variation 1749672 (VCV001749672.2), dbSNP rs2502229694, ClinGen allele CA2580087889.